The following is an entry in ClinVar:

NM_025176.6(NINL):c.4099G>C (p.Ala1367Pro)

Gene: NINL (ninein like; minus strand). Cytogenetic location: 20p11.21.
Variant type: single nucleotide variant.
Coding change: c.4099G>C on transcript NM_025176.6 (MANE Select); coding-DNA position 4099, G replaced by C.
Protein change: p.Ala1367Pro; replaces alanine 1367 with proline.
Molecular consequence: missense variant.
Genome position (GRCh38, 1-based): chr20:25,453,501, C>G on the plus strand (G>C on the coding strand, the complement: NINL is on the minus strand). VCF-style: chr20-25453501-C-G. GRCh37 (hg19) VCF-style: chr20-25434137-C-G.
Other names: c.3052G>C, p.Ala1018Pro (NM_001318226.2); short protein forms A1018P, A1367P.
Identifiers: ClinVar variation 4982087 (VCV004982087.1).
Genomic context (GRCh38, chr20:25,453,501, plus strand): 5'-TAATCTGTCTTTACACAGAGAGGGCTGCGGGGGCAATCCTACTGACGAGTTTGTTGAGAG[C>G]GCGAACTTTTTCTTCCAAGAGGCGGCTTTGTTTCTCGGCGCCTCGCTGCTTCTCCTCGGT-3'
Protein context (NP_079452.3, residues 1357-1377): QSRLLEEKVR[Ala1367Pro]LNKLVSRIAP

ClinVar aggregate classification (germline): Uncertain significance (1 of 4 stars; one submission).

Conditions:
NINL-related disorder. Also called: NINL-related condition.

gnomAD v4.1: 1 of 1,613,934 alleles (0.000062%); highest among the groups gnomAD compares: Non-Finnish European, 0.000085%; no homozygotes.

Submission:

PreventionGenetics, part of Exact Sciences
Classification: Uncertain significance for NINL-related condition. Last evaluated: 2025-09-04. Review status: criteria provided, single submitter. Criteria: ACMG Guidelines, 2015. Collection method: clinical testing. Allele origin: germline.
Comment: The NINL c.4099G>C variant is predicted to result in the amino acid substitution p.Ala1367Pro. To our knowledge, this variant has not been reported in the literature. This variant is reported in 0.00088% of alleles in individuals of European (Non-Finnish) descent in gnomAD. At this time, the clinical significance of this variant is uncertain due to the absence of conclusive functional and genetic evidence.